The following is an entry in ClinVar:

ClinVar aggregate classification (germline): Uncertain significance. Review status: criteria provided, multiple submitters, no conflicts (2 of 4 stars). 3 submissions from 3 submitters: Uncertain significance (3). Last evaluated 2024-10-22.

Conditions:
FREM2-related disorder. Also called: FREM2-related condition.
Inborn genetic diseases. Identifiers: MedGen C0950123, MeSH D030342.

Allele frequency attached by ClinVar (database versions not stated): gnomAD 0.00002; TOPMed 0.00002; ExAC 0.00003; gnomAD exomes 0.00005; ESP Exome Variant Server 0.00008.
gnomAD v4.1: 70 of 1,613,588 alleles (0.0043%); highest among the groups gnomAD compares: East Asian, 0.0089%; no homozygotes.

Submissions (3):

Ambry Genetics
Classification: Uncertain significance for Inborn genetic diseases. Last evaluated: 2024-10-22. Review status: criteria provided, single submitter. Criteria: Ambry Variant Classification Scheme 2023. Collection method: clinical testing. Allele origin: germline.

PreventionGenetics, part of Exact Sciences
Classification: Uncertain significance for FREM2-related condition. Last evaluated: 2023-06-16. Review status: criteria provided, single submitter. Criteria: ACMG Guidelines, 2015. Collection method: clinical testing. Allele origin: germline.
Comment: The FREM2 c.4378A>G variant is predicted to result in the amino acid substitution p.Ile1460Val. To our knowledge, this variant has not been reported in the literature. This variant is reported in 0.0098% of alleles in individuals of South Asian descent in gnomAD. At this time, the clinical significance of this variant is uncertain due to the absence of conclusive functional and genetic evidence.

Revvity Omics, Revvity
Classification: Uncertain significance. Last evaluated: 2021-04-02. Review status: criteria provided, single submitter. Criteria: ACMG Guidelines, 2015. Collection method: clinical testing. Allele origin: germline.

NM_207361.6(FREM2):c.4378A>G (p.Ile1460Val)

Gene: FREM2 (FRAS1 related extracellular matrix 2; plus strand). Cytogenetic location: 13q13.3.
Variant type: single nucleotide variant.
Coding change: c.4378A>G on transcript NM_207361.6 (MANE Select); coding-DNA position 4378, A replaced by G.
Protein change: p.Ile1460Val; replaces isoleucine 1460 with valine.
Molecular consequence: missense variant.
Genome position (GRCh38, 1-based): chr13:38,691,722, A>G. VCF-style: chr13-38691722-A-G. GRCh37 (hg19) VCF-style: chr13-39265859-A-G.
Other names: c.4378A>G (NM_207361.5, NM_207361.4); short protein forms I1460V.
Identifiers: ClinVar variation 2441576 (VCV002441576.5), dbSNP rs377575271, ClinGen allele CA6954977.